The following is an entry in ClinVar:

NM_001385641.1(SAMD11):c.1490C>T (p.Pro497Leu)

Gene: SAMD11 (sterile alpha motif domain containing 11; plus strand). Cytogenetic location: 1p36.33.
Variant type: single nucleotide variant.
Coding change: c.1490C>T on transcript NM_001385641.1 (MANE Select); coding-DNA position 1490, C replaced by T.
Protein change: p.Pro497Leu; replaces proline 497 with leucine.
Molecular consequence: missense variant.
Genome position (GRCh38, 1-based): chr1:942,425, C>T. VCF-style: chr1-942425-C-T. GRCh37 (hg19) VCF-style: chr1-877805-C-T.
Other names: c.1493C>T, p.Pro498Leu (NM_001385640.1); c.1001C>T, p.Pro334Leu (NM_152486.4); short protein forms P498L, P497L, P334L.
Identifiers: ClinVar variation 1464581 (VCV001464581.4), dbSNP rs1235934471, ClinGen allele CA337807269.

ClinVar aggregate classification (germline): Uncertain significance (1 of 4 stars; one submission).

Allele frequency attached by ClinVar (database versions not stated): gnomAD 0.00002; TOPMed 0.00003.
gnomAD v4.1: 30 of 1,485,388 alleles (0.002%); highest among the groups gnomAD compares: Non-Finnish European, 0.0027%; no homozygotes.

Submission:

Labcorp Genetics (formerly Invitae), Labcorp
Classification: Uncertain significance. Last evaluated: 2021-08-25. Review status: criteria provided, single submitter. Criteria: Invitae Variant Classification Sherloc (09022015). Collection method: clinical testing. Allele origin: germline.
Comment: In summary, the available evidence is currently insufficient to determine the role of this variant in disease. Therefore, it has been classified as a Variant of Uncertain Significance. Algorithms developed to predict the effect of missense changes on protein structure and function are either unavailable or do not agree on the potential impact of this missense change (SIFT: "Tolerated"; PolyPhen-2: "Probably Damaging"; Align-GVGD: "Class C0"). This variant has not been reported in the literature in individuals affected with SAMD11-related conditions. The frequency data for this variant in the population databases is considered unreliable, as metrics indicate insufficient coverage at this position in the ExAC database. This sequence change replaces proline with leucine at codon 334 of the SAMD11 protein (p.Pro334Leu). The proline residue is moderately conserved and there is a moderate physicochemical difference between proline and leucine.